The following is an entry in ClinVar:

NM_015001.3(SPEN):c.3422C>T (p.Pro1141Leu)

Gene: SPEN (spen family transcriptional repressor; plus strand). Cytogenetic location: 1p36.13.
Variant type: single nucleotide variant.
Coding change: c.3422C>T on transcript NM_015001.3 (MANE Select); coding-DNA position 3422, C replaced by T.
Protein change: p.Pro1141Leu; replaces proline 1141 with leucine.
Molecular consequence: missense variant.
Genome position (GRCh38, 1-based): chr1:15,929,662, C>T. VCF-style: chr1-15929662-C-T. GRCh37 (hg19) VCF-style: chr1-16256157-C-T.
Other names: short protein forms P1141L.
Identifiers: ClinVar variation 2635029 (VCV002635029.1), dbSNP rs2523077357, ClinGen allele CA338607773.

ClinVar aggregate classification (germline): Uncertain significance (1 of 4 stars; one submission).

Conditions:
SPEN-related disorder. Also called: SPEN-related condition.

Allele frequency attached by ClinVar (database versions not stated): gnomAD exomes below 0.00001.
gnomAD v4.1: 3 of 1,614,092 alleles (0.00019%); highest among the groups gnomAD compares: Middle Eastern, 0.016%; no homozygotes.

Submission:

PreventionGenetics, part of Exact Sciences
Classification: Uncertain significance for SPEN-related condition. Last evaluated: 2022-11-15. Review status: criteria provided, single submitter. Criteria: ACMG Guidelines, 2015. Collection method: clinical testing. Allele origin: germline.
Comment: The SPEN c.3422C>T variant is predicted to result in the amino acid substitution p.Pro1141Leu. To our knowledge, this variant has not been reported in the literature or in a large population database, indicating this variant is rare. At this time, the clinical significance of this variant is uncertain due to the absence of conclusive functional and genetic evidence.